The following is an entry in ClinVar:

NM_016180.5(SLC45A2):c.191G>A (p.Gly64Asp)

Gene: SLC45A2 (solute carrier family 45 member 2; minus strand). Cytogenetic location: 5p13.2.
Variant type: single nucleotide variant.
Coding change: c.191G>A on transcript NM_016180.5 (MANE Select); coding-DNA position 191, G replaced by A.
Protein change: p.Gly64Asp; replaces glycine 64 with aspartic acid.
Molecular consequence: missense variant.
Genome position (GRCh38, 1-based): chr5:33,984,393, C>T on the plus strand (G>A on the coding strand, the complement: SLC45A2 is on the minus strand). VCF-style: chr5-33984393-C-T. GRCh37 (hg19) VCF-style: chr5-33984498-C-T.
Other names: c.191G>A (NM_016180.3); c.191G>A, p.Gly64Asp (NM_001012509.4, NM_001297417.4); short protein forms G64D.
Identifiers: ClinVar variation 1500310 (VCV001500310.8), dbSNP rs757331566, ClinGen allele CA3225860.
Genomic context (GRCh38, chr5:33,984,393, plus strand): 5'-AGCAGGAATCCCAGGATGGGGCTGAGGAACCACACAATGCTGTACAGGCTGCTGGGCAGA[C>T]CTACGCTGAGCAGGACTGGGGTCACATACGCTGCCTCCACCGCGTAGCAGAACTCTCTTC-3'
Protein context (NP_057264.4, residues 54-74): AYVTPVLLSV[Gly64Asp]LPSSLYSIVW

ClinVar aggregate classification (germline): Conflicting classifications of pathogenicity. Review status: criteria provided, conflicting classifications (1 of 4 stars). 2 submissions from 2 submitters: Likely pathogenic (1); Uncertain significance (1). Last evaluated 2025-03-03.

Conditions:
Inborn genetic diseases. Identifiers: MedGen C0950123, MeSH D030342.

Allele frequency attached by ClinVar (database versions not stated): gnomAD exomes below 0.00001; gnomAD 0.00002; TOPMed 0.00002; ExAC 0.00001.

Submissions (2):

Ambry Genetics
Classification: Uncertain significance for Inborn genetic diseases. Last evaluated: 2025-03-03. Review status: criteria provided, single submitter. Criteria: Ambry Variant Classification Scheme 2023. Collection method: clinical testing. Allele origin: germline.

Labcorp Genetics (formerly Invitae), Labcorp
Classification: Likely pathogenic. Last evaluated: 2024-02-23. Review status: criteria provided, single submitter. Criteria: Invitae Variant Classification Sherloc (09022015). Collection method: clinical testing. Allele origin: germline.
Comment: This sequence change replaces glycine, which is neutral and non-polar, with aspartic acid, which is acidic and polar, at codon 64 of the SLC45A2 protein (p.Gly64Asp). This variant is present in population databases (rs757331566, gnomAD 0.006%). This missense change has been observed in individual(s) with ocular albinism (Invitae). In at least one individual the data is consistent with being in trans (on the opposite chromosome) from a pathogenic variant. ClinVar contains an entry for this variant (Variation ID: 1500310). Advanced modeling of protein sequence and biophysical properties (such as structural, functional, and spatial information, amino acid conservation, physicochemical variation, residue mobility, and thermodynamic stability) performed at Invitae indicates that this missense variant is expected to disrupt SLC45A2 protein function with a positive predictive value of 80%. In summary, the currently available evidence indicates that the variant is pathogenic, but additional data are needed to prove that conclusively. Therefore, this variant has been classified as Likely Pathogenic.